The following is an entry in ClinVar:

ClinVar aggregate classification (germline): Uncertain significance (1 of 4 stars; one submission).

Allele frequency attached by ClinVar (database versions not stated): gnomAD 0.00001; ExAC 0.00002; gnomAD exomes 0.00002; TOPMed 0.00002.
gnomAD v4.1: 29 of 1,602,904 alleles (0.0018%); highest among the groups gnomAD compares: Middle Eastern, 0.017%; no homozygotes.

Submission:

Labcorp Genetics (formerly Invitae), Labcorp
Classification: Uncertain significance. Last evaluated: 2022-05-12. Review status: criteria provided, single submitter. Criteria: Invitae Variant Classification Sherloc (09022015). Collection method: clinical testing. Allele origin: germline.
Comment: This sequence change replaces threonine, which is neutral and polar, with methionine, which is neutral and non-polar, at codon 2193 of the CACNA1B protein (p.Thr2193Met). This variant is present in population databases (rs772964775, gnomAD 0.005%). This variant has not been reported in the literature in individuals affected with CACNA1B-related conditions. Advanced modeling of protein sequence and biophysical properties (such as structural, functional, and spatial information, amino acid conservation, physicochemical variation, residue mobility, and thermodynamic stability) performed at Invitae indicates that this missense variant is not expected to disrupt CACNA1B protein function. In summary, the available evidence is currently insufficient to determine the role of this variant in disease. Therefore, it has been classified as a Variant of Uncertain Significance.

NM_000718.4(CACNA1B):c.6578C>T (p.Thr2193Met)

Gene: CACNA1B (calcium voltage-gated channel subunit alpha1 B; plus strand). Cytogenetic location: 9q34.3.
Variant type: single nucleotide variant.
Coding change: c.6578C>T on transcript NM_000718.4 (MANE Select); coding-DNA position 6578, C replaced by T.
Protein change: p.Thr2193Met; replaces threonine 2193 with methionine.
Molecular consequence: missense variant. On other transcripts: intron variant (1).
Genome position (GRCh38, 1-based): chr9:138,121,557, C>T. VCF-style: chr9-138121557-C-T. GRCh37 (hg19) VCF-style: chr9-141016009-C-T.
Other names: c.6490-99C>T (NM_001243812.2); short protein forms T2193M.
Identifiers: ClinVar variation 1937112 (VCV001937112.2), dbSNP rs772964775, ClinGen allele CA5377765.
Genomic context (GRCh38, chr9:138,121,557, plus strand): 5'-TGCTGTCAACATCTGGTGCTAGCACCCCCGGCCGCGGTGGGCGGAGGCAGCTCCCCCAGA[C>T]GCCCCTGACTCCCCGCCCCAGCATCACCTACAAGACGGCCAACTCCTCACCCATCCACTT-3'
Protein context (NP_000709.1, residues 2183-2203): GRGGRRQLPQ[Thr2193Met]PLTPRPSITY